The following is an entry in ClinVar:

ClinVar aggregate classification (germline): Conflicting classifications of pathogenicity. Review status: criteria provided, conflicting classifications (1 of 4 stars). 3 submissions from 3 submitters: Uncertain significance (2); Likely benign (1). Last evaluated 2024-08-13.

Allele frequency attached by ClinVar (database versions not stated): ExAC 0.00002; gnomAD exomes 0.00002; TOPMed 0.00004; gnomAD 0.00005; ESP Exome Variant Server 0.00008.
gnomAD v4.1: 42 of 1,612,142 alleles (0.0026%); highest among the groups gnomAD compares: African/African-American, 0.011%; no homozygotes.

Submissions (3):

Labcorp Genetics (formerly Invitae), Labcorp
Classification: Likely benign. Last evaluated: 2024-08-13. Review status: criteria provided, single submitter. Criteria: Invitae Variant Classification Sherloc (09022015). Collection method: clinical testing. Allele origin: germline.

CeGaT Center for Human Genetics Tuebingen
Classification: Uncertain significance. Last evaluated: 2024-01-01. Review status: criteria provided, single submitter. Criteria: CeGaT Center For Human Genetics Tuebingen Variant Classification Criteria Version 2. Collection method: clinical testing. Allele origin: germline. Affected: yes. Observed: 2 variant alleles.
Comment: KMT2B: PP2

Revvity Omics, Revvity
Classification: Uncertain significance. Last evaluated: 2021-02-23. Review status: criteria provided, single submitter. Criteria: ACMG Guidelines, 2015. Collection method: clinical testing. Allele origin: germline.

NM_014727.3(KMT2B):c.5092G>A (p.Asp1698Asn)

Gene: KMT2B (lysine methyltransferase 2B; plus strand). Cytogenetic location: 19q13.12.
Variant type: single nucleotide variant.
Coding change: c.5092G>A on transcript NM_014727.3 (MANE Select); coding-DNA position 5092, G replaced by A.
Protein change: p.Asp1698Asn; replaces aspartic acid 1698 with asparagine.
Molecular consequence: missense variant.
Genome position (GRCh38, 1-based): chr19:35,730,357, G>A. VCF-style: chr19-35730357-G-A. GRCh37 (hg19) VCF-style: chr19-36221258-G-A.
Other names: c.5092G>A (NM_014727.1, NM_014727.2); short protein forms D1698N.
Identifiers: ClinVar variation 1335338 (VCV001335338.42), dbSNP rs374963939, ClinGen allele CA9385316.